The following is an entry in ClinVar:

ClinVar aggregate classification (germline): Uncertain significance (1 of 4 stars; one submission).

Conditions:
Inborn genetic diseases. Identifiers: MedGen C0950123, MeSH D030342.

Submission:

Ambry Genetics
Classification: Uncertain significance for Inborn genetic diseases. Last evaluated: 2025-01-15. Review status: criteria provided, single submitter. Criteria: Ambry Variant Classification Scheme 2023. Collection method: clinical testing. Allele origin: germline.
Comment: The c.1550_1552delACCinsCAT variant (also known as p.Y517S), located in coding exon 7 of the MBD4 gene, results from an in-frame deletion of ACC and insertion of CAT at nucleotide positions 1550 to 1552. This results in the substitution of the tyrosine residue for a serine residue at codon 517, an amino acid with dissimilar properties. This amino acid position is highly conserved in available vertebrate species. In addition, this alteration is predicted to be deleterious by in silico analysis (Choi Y et al. PLoS ONE. 2012; 7(10):e46688). Based on the available evidence, the clinical significance of this variant remains unclear.

NM_001276270.2(MBD4):c.1550_1552delinsCAT (p.Tyr517Ser)

Gene: MBD4 (methyl-CpG binding domain 4, DNA glycosylase; minus strand). Cytogenetic location: 3q21.3.
Variant type: Indel.
Coding change: c.1550_1552delinsCAT on transcript NM_001276270.2 (MANE Select); coding-DNA positions 1550 to 1552, ACC replaced by CAT.
Protein change: p.Tyr517Ser; replaces tyrosine 517 with serine.
Molecular consequence: missense variant.
Genome position (GRCh38, 1-based): chr3:129,432,598-129,432,600, GGT replaced by ATG on the plus strand (ACC replaced by CAT on the coding strand, the reverse complement: MBD4 is on the minus strand). VCF-style: chr3-129432598-GGT-ATG. GRCh37 (hg19) VCF-style: chr3-129151441-GGT-ATG.
Other names: c.1568_1570delinsCAT, p.Tyr523Ser (NM_001276271.2, NM_001276272.2, NM_003925.3); c.614_616delinsCAT, p.Tyr205Ser (NM_001276273.2); c.1550_1552delACCinsCAT (NM_001276270.2); short protein forms Y517S, Y205S, Y523S.
Identifiers: ClinVar variation 3870872 (VCV003870872.1).